The following is an entry in ClinVar:

NM_025114.4(CEP290):c.1873A>G (p.Arg625Gly)

Gene: CEP290 (centrosomal protein 290; minus strand). Cytogenetic location: 12q21.32.
Variant type: single nucleotide variant.
Coding change: c.1873A>G on transcript NM_025114.4 (MANE Select); coding-DNA position 1873, A replaced by G.
Protein change: p.Arg625Gly; replaces arginine 625 with glycine.
Molecular consequence: missense variant.
Genome position (GRCh38, 1-based): chr12:88,115,134, T>C on the plus strand (A>G on the coding strand, the complement: CEP290 is on the minus strand). VCF-style: chr12-88115134-T-C. GRCh37 (hg19) VCF-style: chr12-88508911-T-C.
Other names: short protein forms R625G.
Identifiers: ClinVar variation 3349915 (VCV003349915.2).

ClinVar aggregate classification (germline): Uncertain significance. Review status: criteria provided, single submitter (1 of 4 stars). 2 submissions from 2 submitters: Uncertain significance (1). 1 of the submissions does not count toward it. Last evaluated 2022-03-18.

Conditions:
CEP290-related disorder. Also called: CEP290-related disorders; CEP290-related condition. Identifiers: MedGen CN239314.

gnomAD v4.1: 1 of 1,495,446 alleles (0.000067%); highest among the groups gnomAD compares: Non-Finnish European, 0.000091%; no homozygotes.

Submissions (2):

Blueprint Genetics
Classification: Uncertain significance. Last evaluated: 2022-03-18. Review status: criteria provided, single submitter. Criteria: ACMG Guidelines, 2015. Collection method: clinical testing. Allele origin: germline.

PreventionGenetics, part of Exact Sciences
Classification: Uncertain significance for CEP290-related condition. Last evaluated: 2024-03-08. Review status: no assertion criteria provided. Collection method: clinical testing. Allele origin: germline. Not counted in ClinVar's aggregate classification.
Comment: The CEP290 c.1873A>G variant is predicted to result in the amino acid substitution p.Arg625Gly. To our knowledge, this variant has not been reported in the literature or in a large population database, indicating this variant is rare. At this time, the clinical significance of this variant is uncertain due to the absence of conclusive functional and genetic evidence.